The following is an entry in ClinVar:

ClinVar aggregate classification (germline): Uncertain significance (1 of 4 stars; one submission).

Conditions:
Hereditary cancer-predisposing syndrome. Also called: Hereditary neoplastic syndrome; Neoplastic Syndromes, Hereditary; Tumor predisposition; Hereditary Cancer Syndrome. Identifiers: Orphanet 140162, MedGen C0027672, MeSH D009386, MONDO:0015356.

Submission:

Ambry Genetics
Classification: Uncertain significance for Hereditary cancer-predisposing syndrome. Last evaluated: 2025-08-27. Review status: criteria provided, single submitter. Criteria: Ambry Variant Classification Scheme 2023. Collection method: clinical testing. Allele origin: germline.
Comment: The p.S102R variant (also known as c.306C>G), located in coding exon 3 of the MUTYH gene, results from a C to G substitution at nucleotide position 306. The serine at codon 102 is replaced by arginine, an amino acid with dissimilar properties. This amino acid position is conserved. In addition, the in silico prediction for this alteration is inconclusive. Based on the available evidence, the clinical significance of this variant remains unclear.

NM_001048174.2(MUTYH):c.222C>G (p.Ser74Arg)

Gene: MUTYH (mutY DNA glycosylase; minus strand). Cytogenetic location: 1p34.1.
Variant type: single nucleotide variant.
Coding change: c.222C>G on transcript NM_001048174.2 (MANE Select); coding-DNA position 222, C replaced by G.
Protein change: p.Ser74Arg; replaces serine 74 with arginine.
Molecular consequence: missense variant. On other transcripts: 5 prime UTR variant (6), non-coding transcript variant (7).
Genome position (GRCh38, 1-based): chr1:45,333,455, G>C on the plus strand (C>G on the coding strand, the complement: MUTYH is on the minus strand). VCF-style: chr1-45333455-G-C. GRCh37 (hg19) VCF-style: chr1-45799127-G-C.
Other names: c.306C>G, p.Ser102Arg (NM_001128425.2); c.267C>G, p.Ser89Arg (NM_001293190.2); c.255C>G, p.Ser85Arg (NM_001293191.2, NM_001407077.1); c.-55C>G (NM_001293192.2, NM_001293196.2, NM_001407091.1); c.222C>G, p.Ser74Arg (NM_001293195.2, NM_001407070.1, NM_001407088.1 and 6 more transcripts); c.-50C>G (NM_001350650.2, NM_001350651.2, NM_001407082.1); c.297C>G, p.Ser99Arg (NM_001407069.1, NM_012222.3); c.225C>G, p.Ser75Arg (NM_001407071.1, NM_001407086.1, NM_001048172.2 and 2 more transcripts); and 3 more; short protein forms S102R, S81R, S89R, S46R, S74R, S88R, S99R, S75R.
Identifiers: ClinVar variation 4113592 (VCV004113592.1).
Genomic context (GRCh38, chr1:45,333,455, plus strand): 5'-TGCTCCTCGCCTGCCTACCCGTCTTCTCCATGGTAGGTCCCGTTTCTCTTGGTCGTACCA[G>C]CTTAGCAGGCTCCCTCGGAAGGCTGTGACTTCAGCTACGTCTCTGAATAGATGGTATGAG-3'
Protein context (NP_001041639.1, residues 64-84): EVTAFRGSLL[Ser74Arg]WYDQEKRDLP